The following is an entry in ClinVar:

ClinVar aggregate classification (germline): Conflicting classifications of pathogenicity. Review status: criteria provided, conflicting classifications (1 of 4 stars). 4 submissions from 4 submitters: Uncertain significance (2); Likely benign (2). Last evaluated 2025-12-15.

Conditions:
Inborn genetic diseases. Identifiers: MedGen C0950123, MeSH D030342.
Mowat-Wilson syndrome (MOWS). Also called: Classic Mowat-Wilson Syndrome. Identifiers: Orphanet 2152, MedGen C1856113, MONDO:0009341, OMIM 235730.

Allele frequency attached by ClinVar (database versions not stated): gnomAD 0.00001; gnomAD exomes 0.00001.
gnomAD v4.1: 5 of 1,613,984 alleles (0.00031%); highest among the groups gnomAD compares: Admixed American, 0.0067%; no homozygotes.

Submissions (4):

Labcorp Genetics (formerly Invitae), Labcorp
Classification: Likely benign for Mowat-Wilson syndrome. Last evaluated: 2025-12-15. Review status: criteria provided, single submitter. Criteria: Invitae Variant Classification Sherloc (09022015). Collection method: clinical testing. Allele origin: germline.

Ambry Genetics
Classification: Likely benign for Inborn genetic diseases. Last evaluated: 2024-03-08. Review status: criteria provided, single submitter. Criteria: Ambry Variant Classification Scheme 2023. Collection method: clinical testing. Allele origin: germline.

Genome-Nilou Lab
Classification: Uncertain significance for Mowat-Wilson syndrome. Last evaluated: 2021-11-07. Review status: criteria provided, single submitter. Criteria: ACMG Guidelines, 2015. Collection method: clinical testing. Allele origin: germline. Affected: no.

GeneDx
Classification: Uncertain significance. Last evaluated: 2016-11-16. Review status: criteria provided, single submitter. Criteria: GeneDx Variant Classification (06012015). Collection method: clinical testing. Allele origin: germline. Affected: yes.
Comment: A variant of uncertain significance has been identified in the ZEB2 gene. The F144I variant has not been published as a pathogenic variant, nor has it been reported as a benign variant to our knowledge. It was not observed in approximately 6,500 individuals of European and African American ancestry in the NHLBI Exome Sequencing Project, indicating it is not a common benign variant in these populations. The F144I variant is a conservative amino acid substitution, which is not likely to impact secondary protein structure as these residues share similar properties. This substitution occurs at a position where amino acids with similar properties to Phenylalanine are tolerated across species. Missense variants in the ZEB2 gene are rare and have been identified in less than 2% of patients with Mowat- Wilson syndrome (Garavelli et al., 2009). Additionally, in silico analysis is inconsistent in its predictions as to whether or not the variant is damaging to the protein structure/function. Therefore, based on the currently available information, it is unclear whether this variant is a pathogenic variant or a rare benign variant.

NM_014795.4(ZEB2):c.430T>A (p.Phe144Ile)

Gene: ZEB2 (zinc finger E-box binding homeobox 2; minus strand). Cytogenetic location: 2q22.3.
Variant type: single nucleotide variant.
Coding change: c.430T>A on transcript NM_014795.4 (MANE Select); coding-DNA position 430, T replaced by A.
Protein change: p.Phe144Ile; replaces phenylalanine 144 with isoleucine.
Molecular consequence: missense variant.
Genome position (GRCh38, 1-based): chr2:144,404,998, A>T on the plus strand (T>A on the coding strand, the complement: ZEB2 is on the minus strand). VCF-style: chr2-144404998-A-T. GRCh37 (hg19) VCF-style: chr2-145162565-A-T.
Other names: c.358T>A, p.Phe120Ile (NM_001171653.2); short protein forms F144I, F120I.
Identifiers: ClinVar variation 373361 (VCV000373361.12), dbSNP rs1057518371, ClinGen allele CA16042410.